The following is an entry in ClinVar:

NM_015922.3(NSDHL):c.767G>A (p.Arg256Gln)

Gene: NSDHL (NAD(P) dependent 3-beta-hydroxysteroid dehydrogenase NSDHL; plus strand). Cytogenetic location: Xq28.
Variant type: single nucleotide variant.
Coding change: c.767G>A on transcript NM_015922.3 (MANE Select); coding-DNA position 767, G replaced by A.
Protein change: p.Arg256Gln; replaces arginine 256 with glutamine.
Molecular consequence: missense variant.
Genome position (GRCh38, 1-based): chrX:152,867,651, G>A. VCF-style: chrX-152867651-G-A. GRCh37 (hg19) VCF-style: chrX-152036195-G-A.
Other names: c.767G>A, p.Arg256Gln (NM_001129765.2); short protein forms R256Q.
Identifiers: ClinVar variation 1991987 (VCV001991987.4), dbSNP rs1319475697, ClinGen allele CA415286973.

ClinVar aggregate classification (germline): Uncertain significance (1 of 4 stars; one submission).

Allele frequency attached by ClinVar (database versions not stated): TOPMed below 0.00001; gnomAD 0.00001; gnomAD exomes 0.00004.
gnomAD v4.1: 41 of 1,202,217 alleles (0.0034%); highest among the groups gnomAD compares: Non-Finnish European, 0.0044%; no homozygotes.

Submission:

Labcorp Genetics (formerly Invitae), Labcorp
Classification: Uncertain significance. Last evaluated: 2026-01-21. Review status: criteria provided, single submitter. Criteria: Invitae Variant Classification Sherloc (09022015). Collection method: clinical testing. Allele origin: germline.
Comment: This sequence change replaces arginine, which is basic and polar, with glutamine, which is neutral and polar, at codon 256 of the NSDHL protein (p.Arg256Gln). This variant is present in population databases (no rsID available, gnomAD 0.003%), including at least one homozygous and/or hemizygous individual. This variant has not been reported in the literature in individuals affected with NSDHL-related conditions. ClinVar contains an entry for this variant (Variation ID: 1991987). An algorithm developed to predict the effect of missense changes on protein structure and function outputs the following: PolyPhen-2: "Benign". The glutamine amino acid residue is found in multiple mammalian species, which suggests that this missense change does not adversely affect protein function. In summary, the available evidence is currently insufficient to determine the role of this variant in disease. Therefore, it has been classified as a Variant of Uncertain Significance.